The following is an entry in ClinVar:

ClinVar aggregate classification (germline): Pathogenic (0 of 4 stars; one submission).

Conditions:
EAST syndrome (SESAMES). Also called: SEIZURES, SENSORINEURAL DEAFNESS, ATAXIA, IMPAIRED INTELLECTUAL DEVELOPMENT, AND ELECTROLYTE IMBALANCE. Identifiers: Orphanet 199343, MedGen C2748572, MONDO:0013005, OMIM 612780.

Submission:

Hong-Tao Li Lab, Institute of Brain Science and Brain-inspired Research, Shandong First Medical University & Shandong Academy of Medical Sciences China
Classification: Pathogenic for EAST syndrome. Review status: no assertion criteria provided. Collection method: research. Allele origin: germline. Inheritance: Autosomal recessive inheritance. Affected: yes. Observed: 1 variant allele, 1 homozygote.
Comment: Observed in affected individuals from a Pakistani neurodevelopmental-disorder research cohort of 263 individuals. Classification assigned using the ACMG/AMP framework.

NM_002241.5(KCNJ10):c.190del (p.Trp64fs)

Gene: KCNJ10 (potassium inwardly rectifying channel subfamily J member 10; minus strand). Cytogenetic location: 1q23.2.
Variant type: Deletion.
Coding change: c.190del on transcript NM_002241.5 (MANE Select); coding-DNA position 190, one base deleted (T; older notation c.190delT).
Protein change: p.Trp64fs; shifts the reading frame from tryptophan 64.
Molecular consequence: frameshift variant.
Genome position (GRCh38, 1-based): chr1:160,042,343, A deleted on the plus strand (T on the coding strand, the reverse complement: KCNJ10 is on the minus strand). VCF-style (leftmost placement, unchanged base first): chr1-160042342-CA-C. GRCh37 (hg19) VCF-style: chr1-160012132-CA-C.
Other names: short protein forms W64fs.
Identifiers: ClinVar variation 4884820 (VCV004884820.1).
Genomic context (GRCh38, chr1:160,042,342, plus strand): 5'-ACGCCAAAGAGGAACCATGTGCCTGCAAAGGTCGCAGAGAAGAGCAGAAGCTTGTAGCGC[CA>C]CTGCATGTCAATGAAGGTTGTCCACAGGTCCTTGAGGTAGAGGAAGCGCTTGTCGGCAAT-3'